The following is an entry in ClinVar:

ClinVar aggregate classification (germline): Likely benign (1 of 4 stars; one submission).

Allele frequency attached by ClinVar (database versions not stated): gnomAD exomes 0.00313; ExAC 0.00390; gnomAD 0.01091 and 0.01169; ESP Exome Variant Server 0.01102; 1000 Genomes Project 0.01178; TOPMed 0.01270; 1000 Genomes Project 30x 0.01327.
gnomAD v4.1: 3,292 of 1,578,624 alleles (0.21%); highest among the groups gnomAD compares: African/African-American, 3.8%; 50 homozygotes.

Submission:

GeneDx
Classification: Likely benign. Last evaluated: 2021-05-20. Review status: criteria provided, single submitter. Criteria: GeneDx Variant Classification Process June 2021. Collection method: clinical testing. Allele origin: germline. Affected: yes.
Comment: See Variant Classification Assertion Criteria.

NM_001374736.1(DST):c.19013-23G>A

Gene: DST (dystonin; minus strand). Cytogenetic location: 6p12.1.
Variant type: single nucleotide variant.
Coding change: c.19013-23G>A on transcript NM_001374736.1 (MANE Select); 23 bases into the intron before coding-DNA position 19013, G replaced by A.
Molecular consequence: intron variant.
Genome position (GRCh38, 1-based): chr6:56,508,778, C>T on the plus strand (G>A on the coding strand, the complement: DST is on the minus strand). VCF-style: chr6-56508778-C-T. GRCh37 (hg19) VCF-style: chr6-56373576-C-T.
Other names: c.12656-23G>A (NM_001144769.5); c.19013-23G>A (NM_001374722.1); c.19040-23G>A (NM_001374734.1); c.12242-23G>A (NM_001144770.2); c.11795-23G>A (NM_001374730.1); c.12122-23G>A (NM_001386100.1, NM_183380.4); c.18053-23G>A (NM_001374729.1); c.11144-23G>A (NM_015548.5).
Identifiers: ClinVar variation 1683857 (VCV001683857.2), dbSNP rs114139170, ClinGen allele CA3867095.